The following is an entry in ClinVar:

NM_000368.5(TSC1):c.2768T>C (p.Leu923Pro)

Gene: TSC1 (TSC complex subunit 1; minus strand). Cytogenetic location: 9q34.13.
Variant type: single nucleotide variant.
Coding change: c.2768T>C on transcript NM_000368.5 (MANE Select); coding-DNA position 2768, T replaced by C.
Protein change: p.Leu923Pro; replaces leucine 923 with proline.
Molecular consequence: missense variant.
Genome position (GRCh38, 1-based): chr9:132,897,468, A>G on the plus strand (T>C on the coding strand, the complement: TSC1 is on the minus strand). VCF-style: chr9-132897468-A-G. GRCh37 (hg19) VCF-style: chr9-135772855-A-G.
Other names: c.2768T>C (NM_000368.4); c.2765T>C, p.Leu922Pro (NM_001162426.2); c.2615T>C, p.Leu872Pro (NM_001162427.2); c.2405T>C, p.Leu802Pro (NM_001362177.2); short protein forms L872P, L922P, L802P, L923P.
Identifiers: ClinVar variation 1360925 (VCV001360925.9), dbSNP rs2131632108, ClinGen allele CA375369169.

ClinVar aggregate classification (germline): Uncertain significance. Review status: criteria provided, multiple submitters, no conflicts (2 of 4 stars). 2 submissions from 2 submitters: Uncertain significance (2). Last evaluated 2025-12-15.

Conditions:
Tuberous sclerosis 1 (TSC1). Identifiers: Orphanet 805, MedGen C1854465, MONDO:0008612, OMIM 191100.
Hereditary cancer-predisposing syndrome. Also called: Hereditary neoplastic syndrome; Tumor predisposition; Neoplastic Syndromes, Hereditary; Hereditary Cancer Syndrome. Identifiers: Orphanet 140162, MedGen C0027672, MeSH D009386, MONDO:0015356.

Submissions (2):

Ambry Genetics
Classification: Uncertain significance for Hereditary cancer-predisposing syndrome. Last evaluated: 2025-12-15. Review status: criteria provided, single submitter. Criteria: Ambry Variant Classification Scheme 2023. Collection method: clinical testing. Allele origin: germline.

Labcorp Genetics (formerly Invitae), Labcorp
Classification: Uncertain significance for Tuberous sclerosis 1. Last evaluated: 2021-06-13. Review status: criteria provided, single submitter. Criteria: Invitae Variant Classification Sherloc (09022015). Collection method: clinical testing. Allele origin: germline.
Comment: In summary, the available evidence is currently insufficient to determine the role of this variant in disease. Therefore, it has been classified as a Variant of Uncertain Significance. Algorithms developed to predict the effect of missense changes on protein structure and function are either unavailable or do not agree on the potential impact of this missense change (SIFT: "Deleterious"; PolyPhen-2: "Possibly Damaging"; Align-GVGD: "Class C0"). This variant has not been reported in the literature in individuals with TSC1-related conditions. This variant is not present in population databases (ExAC no frequency). This sequence change replaces leucine with proline at codon 923 of the TSC1 protein (p.Leu923Pro). The leucine residue is moderately conserved and there is a moderate physicochemical difference between leucine and proline.